The following is an entry in ClinVar:

ClinVar aggregate classification (germline): Conflicting classifications of pathogenicity. Review status: criteria provided, conflicting classifications (1 of 4 stars). 5 submissions from 5 submitters: Uncertain significance (3); Likely benign (2). Last evaluated 2025-08-29.

Conditions:
Inborn genetic diseases. Identifiers: MedGen C0950123, MeSH D030342.
Deficiency of malonyl-CoA decarboxylase. Also called: Malonic aciduria; MCD deficiency. Identifiers: Orphanet 943, MedGen C0342793, MONDO:0009556, OMIM 248360.

Allele frequency attached by ClinVar (database versions not stated): TOPMed 0.00042; ESP Exome Variant Server 0.00056; 1000 Genomes Project 30x 0.00062; 1000 Genomes Project 0.00080.
gnomAD v4.1: 202 of 1,614,164 alleles (0.013%); highest among the groups gnomAD compares: African/African-American, 0.18%; 1 homozygote.

Submissions (5):

Labcorp Genetics (formerly Invitae), Labcorp
Classification: Likely benign for Deficiency of malonyl-CoA decarboxylase. Last evaluated: 2025-08-29. Review status: criteria provided, single submitter. Criteria: Invitae Variant Classification Sherloc (09022015). Collection method: clinical testing. Allele origin: germline.

Ambry Genetics
Classification: Uncertain significance for Inborn genetic diseases. Last evaluated: 2025-06-10. Review status: criteria provided, single submitter. Criteria: Ambry Variant Classification Scheme 2023. Collection method: clinical testing. Allele origin: germline.

Blueprint Genetics
Classification: Likely benign. Last evaluated: 2024-11-14. Review status: criteria provided, single submitter. Criteria: ACMG Guidelines, 2015. Collection method: clinical testing. Allele origin: germline.

GeneDx
Classification: Uncertain significance. Last evaluated: 2023-01-31. Review status: criteria provided, single submitter. Criteria: GeneDx Variant Classification Process June 2021. Collection method: clinical testing. Allele origin: germline. Affected: yes.
Comment: In silico analysis supports that this missense variant does not alter protein structure/function; Has not been previously published as pathogenic or benign to our knowledge

Revvity Omics, Revvity
Classification: Uncertain significance for Deficiency of malonyl-CoA decarboxylase. Last evaluated: 2022-05-09. Review status: criteria provided, single submitter. Criteria: ACMG Guidelines, 2015. Collection method: clinical testing. Allele origin: germline.

NM_012213.3(MLYCD):c.929G>A (p.Arg310Gln)

Genes: MLYCD (malonyl-CoA decarboxylase; plus strand), LOC126862422 (CDK7 strongly-dependent group 2 enhancer GRCh37_chr16:83945234-83946433; plus strand). Cytogenetic location: 16q23.3.
Variant type: single nucleotide variant.
Coding change: c.929G>A on transcript NM_012213.3 (MANE Select); coding-DNA position 929, G replaced by A.
Protein change: p.Arg310Gln; replaces arginine 310 with glutamine.
Molecular consequence: missense variant.
Genome position (GRCh38, 1-based): chr16:83,912,348, G>A. VCF-style: chr16-83912348-G-A. GRCh37 (hg19) VCF-style: chr16-83945953-G-A.
Other names: c.929G>A (NM_012213.2); short protein forms R310Q.
Identifiers: ClinVar variation 1014754 (VCV001014754.16), dbSNP rs146465073, ClinGen allele CA8197431.